The following is an entry in ClinVar:

ClinVar aggregate classification (germline): Uncertain significance (1 of 4 stars; one submission).

Conditions:
Brody myopathy. Also called: BRODY DISEASE. Identifiers: Orphanet 53347, MedGen C1832918, MONDO:0010977, OMIM 601003.

Allele frequency attached by ClinVar (database versions not stated): ExAC 0.00001; gnomAD 0.00001; gnomAD exomes 0.00002; TOPMed 0.00003; ESP Exome Variant Server 0.00008.
gnomAD v4.1: 26 of 1,612,164 alleles (0.0016%); highest among the groups gnomAD compares: South Asian, 0.0022%; no homozygotes.

Submission:

Labcorp Genetics (formerly Invitae), Labcorp
Classification: Uncertain significance for Brody myopathy. Last evaluated: 2017-09-16. Review status: criteria provided, single submitter. Criteria: Invitae Variant Classification Sherloc (09022015). Collection method: clinical testing. Allele origin: germline.
Comment: This variant has not been reported in the literature in individuals with ATP2A1-related disease. Algorithms developed to predict the effect of missense changes on protein structure and function do not agree on the potential impact of this missense change (SIFT: "Tolerated"; PolyPhen-2: "Probably Damaging"; Align-GVGD: "Class C0"). In summary, the available evidence is currently insufficient to determine the role of this variant in disease. Therefore, it has been classified as a Variant of Uncertain Significance. This sequence change replaces arginine with lysine at codon 467 of the ATP2A1 protein (p.Arg467Lys). The arginine residue is moderately conserved and there is a small physicochemical difference between arginine and lysine. This variant is present in population databases (rs141453876, ExAC 0.002%).

NM_004320.6(ATP2A1):c.1400G>A (p.Arg467Lys)

Gene: ATP2A1 (ATPase sarcoplasmic/endoplasmic reticulum Ca2+ transporting 1; plus strand). Cytogenetic location: 16p11.2.
Variant type: single nucleotide variant.
Coding change: c.1400G>A on transcript NM_004320.6 (MANE Select); coding-DNA position 1400, G replaced by A.
Protein change: p.Arg467Lys; replaces arginine 467 with lysine.
Molecular consequence: missense variant.
Genome position (GRCh38, 1-based): chr16:28,894,934, G>A. VCF-style: chr16-28894934-G-A. GRCh37 (hg19) VCF-style: chr16-28906255-G-A.
Other names: c.1025G>A, p.Arg342Lys (NM_001286075.2); c.1400G>A, p.Arg467Lys (NM_173201.5); short protein forms R467K, R342K.
Identifiers: ClinVar variation 532730 (VCV000532730.9), dbSNP rs141453876, ClinGen allele CA7986948.